The following is an entry in ClinVar:

NM_001364905.1(LRBA):c.3160A>C (p.Ile1054Leu)

Gene: LRBA (LPS responsive beige-like anchor protein; minus strand). Cytogenetic location: 4q31.3.
Variant type: single nucleotide variant.
Coding change: c.3160A>C on transcript NM_001364905.1 (MANE Select); coding-DNA position 3160, A replaced by C.
Protein change: p.Ile1054Leu; replaces isoleucine 1054 with leucine.
Molecular consequence: missense variant.
Genome position (GRCh38, 1-based): chr4:150,852,550, T>G on the plus strand (A>C on the coding strand, the complement: LRBA is on the minus strand). VCF-style: chr4-150852550-T-G. GRCh37 (hg19) VCF-style: chr4-151773702-T-G.
Other names: c.3160A>C, p.Ile1054Leu (NM_001199282.3, NM_001367550.1, NM_006726.5); short protein forms I1054L.
Identifiers: ClinVar variation 1396511 (VCV001396511.6), dbSNP rs1341416379, ClinGen allele CA358459398.

ClinVar aggregate classification (germline): Uncertain significance (1 of 4 stars; one submission).

Conditions:
Combined immunodeficiency due to LRBA deficiency. Also called: Common variable immunodeficiency 8, with autoimmunity. Identifiers: Orphanet 445018, MedGen C3553512, MONDO:0013863, OMIM 614700.

gnomAD v4.1: 1 of 1,613,914 alleles (0.000062%); highest among the groups gnomAD compares: East Asian, 0.0022%; no homozygotes.

Submission:

Labcorp Genetics (formerly Invitae), Labcorp
Classification: Uncertain significance for Combined immunodeficiency due to LRBA deficiency. Last evaluated: 2021-08-25. Review status: criteria provided, single submitter. Criteria: Invitae Variant Classification Sherloc (09022015). Collection method: clinical testing. Allele origin: germline.
Comment: In summary, the available evidence is currently insufficient to determine the role of this variant in disease. Therefore, it has been classified as a Variant of Uncertain Significance. Algorithms developed to predict the effect of missense changes on protein structure and function output the following: SIFT: "Tolerated"; PolyPhen-2: "Benign"; Align-GVGD: "Class C0". The leucine amino acid residue is found in multiple mammalian species, which suggests that this missense change does not adversely affect protein function. This variant has not been reported in the literature in individuals affected with LRBA-related conditions. This variant is not present in population databases (ExAC no frequency). This sequence change replaces isoleucine with leucine at codon 1054 of the LRBA protein (p.Ile1054Leu). The isoleucine residue is weakly conserved and there is a small physicochemical difference between isoleucine and leucine.